The following is an entry in ClinVar:

NM_017780.4(CHD7):c.4106G>C (p.Gly1369Ala)

Gene: CHD7 (chromodomain helicase DNA binding protein 7; plus strand). Cytogenetic location: 8q12.2.
Variant type: single nucleotide variant.
Coding change: c.4106G>C on transcript NM_017780.4 (MANE Select); coding-DNA position 4106, G replaced by C.
Protein change: p.Gly1369Ala; replaces glycine 1369 with alanine.
Molecular consequence: missense variant. On other transcripts: intron variant (1).
Genome position (GRCh38, 1-based): chr8:60,836,933, G>C. VCF-style: chr8-60836933-G-C. GRCh37 (hg19) VCF-style: chr8-61749492-G-C.
Other names: c.1717-25296G>C (NM_001316690.1); short protein forms G1369A.
Identifiers: ClinVar variation 5018965 (VCV005018965.2).

ClinVar aggregate classification (germline): Uncertain significance (1 of 4 stars; one submission).

Conditions:
CHD7-related CHARGE syndrome. Identifiers: MedGen CN380413, MONDO:1010178, OMIM 214800.
Hypogonadotropic hypogonadism 5 with or without anosmia (KAL5). Also called: HYPOGONADOTROPIC HYPOGONADISM 5 WITH ANOSMIA; HYPOGONADOTROPHIC HYPOGONADISM 5 WITHOUT ANOSMIA; CHD7-Related GnRH Deficiency (Kallmann Syndrome 5). Identifiers: Orphanet 478, MedGen C3552553, MONDO:0012880, OMIM 612370. Disease mechanism: loss of function.

Submission:

Juno Genomics, Hangzhou Juno Genomics, Inc
Classification: Uncertain significance for CHD7-related CHARGE syndrome; Hypogonadotropic hypogonadism 5 with or without anosmia. Review status: criteria provided, single submitter. Criteria: ACMG Guidelines, 2015. Collection method: clinical testing. Allele origin: germline.
Comment: Absent from controls (or at extremely low frequency if recessive) in Genome Aggregation Database.;Multiple lines of computational evidence support a deleterious effect on the gene or gene product.;Missense variant in a gene that has a low rate of benign missense variation.